The following is an entry in ClinVar:

ClinVar aggregate classification (germline): Uncertain significance. Review status: criteria provided, multiple submitters, no conflicts (2 of 4 stars). 3 submissions from 3 submitters: Uncertain significance (2). 1 of the submissions does not count toward it. Last evaluated 2022-06-22.

Conditions:
DYNC2H1-related disorder. Also called: DYNC2H1-related disorders; DYNC2H1-related condition. Identifiers: MedGen CN378770.
Asphyxiating thoracic dystrophy 3. Also called: SHORT-RIB THORACIC DYSPLASIA 3 WITH OR WITHOUT POLYDACTYLY; POLYDACTYLY WITH NEONATAL CHONDRODYSTROPHY, TYPE I; SHORT-RIB THORACIC DYSPLASIA 3/6 WITH POLYDACTYLY, DIGENIC; Saldino-Noonan Syndrome; Short rib polydactyly syndrome 2B. Identifiers: Orphanet 474, Orphanet 93269, Orphanet 93270, Orphanet 93271, MedGen C0036069, MONDO:0013127, OMIM 613091.
Jeune thoracic dystrophy. Also called: Jeune syndrome; Infantile thoracic dystrophy; Thoracic pelvic phalangeal dystrophy; Jeune's syndrome; Chondroectodermal dysplasia-like syndrome; Short-rib thoracic dysplasia. Identifiers: Orphanet 474, MedGen C0265275, MONDO:0018770.

Allele frequency attached by ClinVar (database versions not stated): gnomAD exomes 0.00001 and 0.00003; TOPMed 0.00001; ExAC 0.00002; ESP Exome Variant Server 0.00017.
gnomAD v4.1: 13 of 1,603,924 alleles (0.00081%); highest among the groups gnomAD compares: Non-Finnish European, 0.0011%; no homozygotes.

Submissions (3):

Labcorp Genetics (formerly Invitae), Labcorp
Classification: Uncertain significance for Jeune thoracic dystrophy. Last evaluated: 2022-06-22. Review status: criteria provided, single submitter. Criteria: Invitae Variant Classification Sherloc (09022015). Collection method: clinical testing. Allele origin: germline.
Comment: This sequence change falls in intron 80 of the DYNC2H1 gene. It does not directly change the encoded amino acid sequence of the DYNC2H1 protein. It affects a nucleotide within the consensus splice site. This variant is present in population databases (rs372714647, gnomAD 0.007%). This variant has not been reported in the literature in individuals affected with DYNC2H1-related conditions. ClinVar contains an entry for this variant (Variation ID: 302112). Variants that disrupt the consensus splice site are a relatively common cause of aberrant splicing (PMID: 17576681, 9536098). Algorithms developed to predict the effect of sequence changes on RNA splicing suggest that this variant is not likely to affect RNA splicing. In summary, the available evidence is currently insufficient to determine the role of this variant in disease. Therefore, it has been classified as a Variant of Uncertain Significance.

Illumina Laboratory Services, Illumina
Classification: Uncertain significance for Asphyxiating thoracic dystrophy 3. Last evaluated: 2018-01-13. Review status: criteria provided, single submitter. Criteria: ICSL Variant Classification Criteria 13 December 2019. Collection method: clinical testing. Allele origin: germline.

PreventionGenetics, part of Exact Sciences
Classification: Likely benign for DYNC2H1-related condition. Last evaluated: 2023-01-10. Review status: no assertion criteria provided. Collection method: clinical testing. Allele origin: germline. Not counted in ClinVar's aggregate classification.
Comment: This variant is classified as likely benign based on ACMG/AMP sequence variant interpretation guidelines (Richards et al. 2015 PMID: 25741868, with internal and published modifications).

Literature cited by the submitters: PubMed 17576681 (cited by Labcorp Genetics (formerly Invitae), Labcorp); PubMed 9536098 (cited by Labcorp Genetics (formerly Invitae), Labcorp).

NM_001377.3(DYNC2H1):c.11649+4A>T

Gene: DYNC2H1 (dynein cytoplasmic 2 heavy chain 1; plus strand). Cytogenetic location: 11q22.3.
Variant type: single nucleotide variant.
Coding change: c.11649+4A>T on transcript NM_001377.3 (MANE Select); 4 bases into the intron after coding-DNA position 11649, A replaced by T.
Molecular consequence: intron variant.
Genome position (GRCh38, 1-based): chr11:103,312,037, A>T. VCF-style: chr11-103312037-A-T. GRCh37 (hg19) VCF-style: chr11-103182766-A-T.
Other names: c.11670+4A>T (NM_001080463.2).
Identifiers: ClinVar variation 302112 (VCV000302112.9), dbSNP rs372714647, ClinGen allele CA6255329.
Genomic context (GRCh38, chr11:103,312,037, plus strand): 5'-TTCAGTCTTGCATGGTTTCATGCTGCATGTCAAGAAAGAAGAAACTATATTCCTCAGGTA[A>T]GTAAGAACATGTCTTGAATACATTCTAAGCTTTATATTTTTGTATGTTAAAATATTTTTG-3'